The following is an entry in ClinVar:

NM_052947.4(ALPK2):c.94C>T (p.Arg32Cys)

Gene: ALPK2 (alpha kinase 2; minus strand). Cytogenetic location: 18q21.32.
Variant type: single nucleotide variant.
Coding change: c.94C>T on transcript NM_052947.4 (MANE Select); coding-DNA position 94, C replaced by T.
Protein change: p.Arg32Cys; replaces arginine 32 with cysteine.
Molecular consequence: missense variant.
Genome position (GRCh38, 1-based): chr18:58,611,704, G>A on the plus strand (C>T on the coding strand, the complement: ALPK2 is on the minus strand). VCF-style: chr18-58611704-G-A. GRCh37 (hg19) VCF-style: chr18-56278936-G-A.
Other names: short protein forms R32C.
Identifiers: ClinVar variation 2397830 (VCV002397830.2), dbSNP rs113027270, ClinGen allele CA8977553.

ClinVar aggregate classification (germline): Uncertain significance (1 of 4 stars; one submission).

Allele frequency attached by ClinVar (database versions not stated): ExAC 0.00002; TOPMed 0.00003; gnomAD 0.00005; gnomAD exomes 0.00005.
gnomAD v4.1: 97 of 1,612,650 alleles (0.006%); highest among the groups gnomAD compares: Middle Eastern, 0.033%; 1 homozygote.

Submission:

Ambry Genetics
Classification: Uncertain significance. Last evaluated: 2023-01-15. Review status: criteria provided, single submitter. Criteria: Ambry Variant Classification Scheme 2023. Collection method: clinical testing. Allele origin: germline.
Comment: The p.R32C variant (also known as c.94C>T), located in coding exon 1 of the ALPK2 gene, results from a C to T substitution at nucleotide position 94. The arginine at codon 32 is replaced by cysteine, an amino acid with highly dissimilar properties. This amino acid position is conserved. In addition, the in silico prediction for this alteration is inconclusive. Since supporting evidence is limited at this time, the clinical significance of this alteration remains unclear.